The following is an entry in ClinVar:

NM_000166.6(GJB1):c.556G>A (p.Glu186Lys)

Gene: GJB1 (gap junction protein beta 1; plus strand). Cytogenetic location: Xq13.1.
Variant type: single nucleotide variant.
Coding change: c.556G>A on transcript NM_000166.6 (MANE Select); coding-DNA position 556, G replaced by A.
Protein change: p.Glu186Lys; replaces glutamic acid 186 with lysine.
Molecular consequence: missense variant.
Genome position (GRCh38, 1-based): chrX:71,224,263, G>A. VCF-style: chrX-71224263-G-A. GRCh37 (hg19) VCF-style: chrX-70444113-G-A.
Other names: c.556G>A, p.Glu186Lys (NM_001097642.3); short protein forms E186K.
Identifiers: ClinVar variation 21086 (VCV000021086.59), dbSNP rs116840821, ClinGen allele CA341609.

ClinVar aggregate classification (germline): Pathogenic/Likely pathogenic. Review status: criteria provided, multiple submitters, no conflicts (2 of 4 stars). 14 submissions from 14 submitters: Pathogenic (11); Likely pathogenic (1). 2 of the submissions do not count toward it. Last evaluated 2025-12-22.

Conditions:
Charcot-Marie-Tooth disease. Also called: Charcot-Marie-Tooth Hereditary Neuropathy; Charcot-Marie-Tooth Neuropathy. Identifiers: Orphanet 166, MedGen C0007959, MONDO:0015626.
Inborn genetic diseases. Identifiers: MedGen C0950123, MeSH D030342.
Charcot-Marie-Tooth Neuropathy X. Identifiers: MedGen CN118851.
Charcot-Marie-Tooth disease X-linked dominant 1. Also called: X-linked Charcot-Marie-Tooth disease type 1; Charcot-Marie-Tooth Neuropathy X Type 1; CHARCOT-MARIE-TOOTH NEUROPATHY, X-LINKED, 1; CHARCOT-MARIE-TOOTH PERONEAL MUSCULAR ATROPHY, X-LINKED; HEREDITARY MOTOR AND SENSORY NEUROPATHY, X-LINKED; HMSN, X-LINKED. Identifiers: Orphanet 101075, MedGen C0393808, MONDO:0010549, OMIM 302800.

Submissions (14):

Institute of Human Genetics, FAU Erlangen, Friedrich-Alexander-Universität Erlangen-Nürnberg
Classification: Pathogenic for Charcot-Marie-Tooth disease X-linked dominant 1. Last evaluated: 2025-12-22. Review status: criteria provided, single submitter. Criteria: Hauer et al. (Genet Med. 2018). Collection method: clinical testing. Allele origin: germline. Inheritance: Unknown mechanism. Affected: yes. Observed: 1 variant allele.
Comment: This variant has been identified by standard clinical testing. Selected ACMG criteria: Pathogenic (III):PP5;PP3;PM2;PM1;PS3

Dasa
Classification: Pathogenic. Last evaluated: 2025-12-15. Review status: criteria provided, single submitter. Criteria: DASA Assertion Criteria. Collection method: clinical testing. Allele origin: germline.
Comment: NM_000166.6(GJB1):c.556G>A (p.Glu186Lys) is a missense variant that results in the substitution of glutamic acid with lysine. The affected residue or protein region has prior evidence supporting clinical relevance. Functional evidence supports a deleterious effect on the gene or gene product (PMID: 8266101; PMID: 11571214; PMID: 12542510; PMID: 22243284; PMID: 27844031). This variant has been recurrently observed in individuals with related phenotype (PMID: 8266101; PMID: 11571214; PMID: 12542510; PMID: 22243284; PMID: 27844031). Multiple computational predictions support a deleterious effect on the gene or gene product. The variant is present at low frequency in population datasets. Based on the available data, this variant is classified as pathogenic.

Labcorp Genetics (formerly Invitae), Labcorp
Classification: Pathogenic for Charcot-Marie-Tooth Neuropathy X. Last evaluated: 2025-05-13. Review status: criteria provided, single submitter. Criteria: Invitae Variant Classification Sherloc (09022015). Collection method: clinical testing. Allele origin: germline.
Comment: This sequence change replaces glutamic acid, which is acidic and polar, with lysine, which is basic and polar, at codon 186 of the GJB1 protein (p.Glu186Lys). This variant is not present in population databases (gnomAD no frequency). This missense change has been observed in individuals with Charcot-Marie-Tooth disease, type IX (PMID: 8266101, 11571214, 12542510, 22243284, 27844031). ClinVar contains an entry for this variant (Variation ID: 21086). Invitae Evidence Modeling of protein sequence and biophysical properties (such as structural, functional, and spatial information, amino acid conservation, physicochemical variation, residue mobility, and thermodynamic stability) indicates that this missense variant is expected to disrupt GJB1 protein function with a positive predictive value of 95%. Experimental studies have shown that this missense change affects GJB1 function (PMID: 7946361, 9364054, 10848620, 27844031). For these reasons, this variant has been classified as Pathogenic.

Neuberg Centre For Genomic Medicine, NCGM
Classification: Pathogenic for Charcot-Marie-Tooth disease X-linked dominant 1. Last evaluated: 2024-02-01. Review status: criteria provided, single submitter. Criteria: ACMG Guidelines, 2015. Collection method: clinical testing. Allele origin: germline. Inheritance: X-linked dominant inheritance. Affected: yes.
Comment: The observed missense variant c.556G>A(p.Glu186Lys) in GJB1 gene has been reported previously in multiple individuals with Charcot-Marie-Tooth Neuropathy. Experimental studies have shown that this missense change affects GJB1 function (Tsai PC, et al., 2016, Bortolozzi M, 2018).

GeneDx
Classification: Pathogenic. Last evaluated: 2023-10-24. Review status: criteria provided, single submitter. Criteria: GeneDx Variant Classification Process June 2021. Collection method: clinical testing. Allele origin: germline. Affected: yes.
Comment: Published functional studies demonstrate that this variant alters normal GJB1 protein function (PMID: 7946361, 10848620); Not observed at significant frequency in large population cohorts (gnomAD); Missense variants in this gene are a common cause of disease and they are underrepresented in the general population; This variant is associated with the following publications: (PMID: 22243284, 9364054, 10848620, 8266101, 27844031, 31211173, 10737979, 32376792, 12542510, 7946361)

Greenwood Genetic Center Diagnostic Laboratories, Greenwood Genetic Center
Classification: Pathogenic for Charcot-Marie-Tooth disease X-linked dominant 1. Last evaluated: 2023-10-24. Review status: criteria provided, single submitter. Criteria: ACMG Guidelines, 2015. Collection method: clinical testing. Allele origin: germline. Affected: yes.
Comment: PS3, PS4, PM2, PP3

Kariminejad - Najmabadi Pathology & Genetics Center
Classification: Pathogenic for Charcot-Marie-Tooth disease X-linked dominant 1. Last evaluated: 2022-05-22. Review status: criteria provided, single submitter. Criteria: ACMG Guidelines, 2015. Collection method: clinical testing. Allele origin: germline. Inheritance: X-linked inheritance. Affected: yes.
Comment: PM1 PM2 PP3 PP5

Mendelics
Classification: Pathogenic for Charcot-Marie-Tooth disease X-linked dominant 1. Last evaluated: 2022-05-04. Review status: criteria provided, single submitter. Criteria: Mendelics Assertion Criteria 2019. Collection method: clinical testing. Allele origin: germline.

Athena Diagnostics
Classification: Pathogenic. Last evaluated: 2021-12-07. Review status: criteria provided, single submitter. Criteria: Athena Diagnostics Criteria. Collection method: clinical testing. Allele origin: unknown.
Comment: This variant has not been reported in large, multi-ethnic general populations. This variant has been identified in multiple unrelated individuals with clinical features associated with this gene. Assessment of experimental evidence suggests this variant results in abnormal protein function. This variant significantly compromised plasma membrane localization and failed to form functional channels (PMID: 27844031, 7946361, 9364054).

CeGaT Center for Human Genetics Tuebingen
Classification: Pathogenic. Last evaluated: 2021-11-01. Review status: criteria provided, single submitter. Criteria: CeGaT Center For Human Genetics Tuebingen Variant Classification Criteria Version 2. Collection method: clinical testing. Allele origin: germline. Affected: yes. Observed: 1 variant allele.

Ambry Genetics
Classification: Pathogenic for Inborn genetic diseases. Last evaluated: 2021-08-27. Review status: criteria provided, single submitter. Criteria: Ambry Variant Classification Scheme 2023. Collection method: clinical testing. Allele origin: germline.
Comment: The p.E186K pathogenic mutation (also known as c.556G>A), located in coding exon 1 of the GJB1 gene, results from a G to A substitution at nucleotide position 556. The glutamic acid at codon 186 is replaced by lysine, an amino acid with similar properties. This mutation has been detected in multiple unrelated individuals with Charcot-Marie-Tooth neuropathy X type 1 (CMTX1) (Liu X et al. Front Neurol, 2020 Jul;11:690; Hsu YH et al. Ann Clin Transl Neurol, 2019 Jun;6:1090-1101; Tsai PC et al. Ann Clin Transl Neurol, 2016 11;3:854-865; Lu YY et al. Chin Med J (Engl), 2017 May;130:1049-1054; Hong YB et al. J Peripher Nerv Syst, 2017 09;22:172-181; Karadima G et al. Clin Genet, 2011 Nov;80:497-9; Takashima H et al. Acta Neurol Scand, 2003 Jan;107:31-7; Dubourg O et al. Brain, 2001 Oct;124:1958-67). In addition, this mutation has been reported to segregate with CMTX1 in one family (Bergoffen J et al. Science, 1993 Dec;262:2039-42; Fain PR et al. Am J Hum Genet, 1994 Feb;54:229-35). Functional studies indicate that the E186K alteration impairs localization and channel function (Matsuyama W et al. J Hum Genet, 2001;46:307-13; Tsai PC et al. Ann Clin Transl Neurol, 2016 11;3:854-865; Vanslyke JK et al. Mol Biol Cell, 2009 May;20:2451-63; Desch&ecirc;nes SM et al. J Neurosci, 1997 Dec;17:9077-84; VanSlyke JK et al. Mol Biol Cell, 2000 Jun;11:1933-46). Based on the supporting evidence, this alteration is interpreted as a disease-causing mutation.

Juno Genomics, Hangzhou Juno Genomics, Inc
Classification: Likely pathogenic for Charcot-Marie-Tooth disease X-linked dominant 1. Review status: criteria provided, single submitter. Criteria: ACMG Guidelines, 2015. Collection method: clinical testing. Allele origin: germline. Affected: yes.
Comment: Absent from controls (or at extremely low frequency if recessive) in Genome Aggregation Database, Exome Sequencing Project, 1000 Genomes Project, or Exome Aggregation Consortium.;Well-established in vitro or in vivo functional studies supportive of a damaging effect on the gene or gene product.;The prevalence of the variant in affected individuals is significantly increased compared to the prevalence in controls.;Patient's phenotype or family history is highly specific for a disease with a single genetic etiology.

GeneReviews
No classification provided. Condition: Charcot-Marie-Tooth disease X-linked dominant 1. Review status: no classification provided. Collection method: literature only. Allele origin: unknown. Not counted in ClinVar's aggregate classification.

Inherited Neuropathy Consortium
Classification: Uncertain significance for Charcot-Marie-Tooth disease. Review status: no assertion criteria provided. Collection method: literature only. Allele origin: germline. Affected: yes. Not counted in ClinVar's aggregate classification.

Literature cited by the submitters: PubMed 8266101 (cited by 4 submitters); PubMed 11571214 (cited by 4 submitters); PubMed 12542510 (cited by 5 submitters); PubMed 22243284 (cited by 4 submitters); PubMed 27844031 (cited by 4 submitters); PubMed 9364054 (cited by 4 submitters); PubMed 7946361 (cited by Labcorp Genetics (formerly Invitae), Labcorp and Athena Diagnostics); PubMed 10848620 (cited by 3 submitters); PubMed 9018031 (cited by Athena Diagnostics); PubMed 10737979 (cited by Athena Diagnostics); PubMed 11393532 (cited by Athena Diagnostics and Ambry Genetics); PubMed 17353473 (cited by Athena Diagnostics); PubMed 10093067 (cited by Athena Diagnostics); PubMed 19297523 (cited by Ambry Genetics); PubMed 28448691 (cited by Ambry Genetics); PubMed 28469099 (cited by Ambry Genetics); PubMed 31211173 (cited by Ambry Genetics); PubMed 32903794 (cited by Ambry Genetics); PubMed 8304339 (cited by Ambry Genetics); PubMed 20301548 (cited by GeneReviews); NCBI Bookshelf NBK1374 (cited by GeneReviews).